The following is an entry in ClinVar:

NM_003108.4(SOX11):c.63G>T (p.Thr21=)

Gene: SOX11 (SRY-box transcription factor 11; plus strand). Cytogenetic location: 2p25.2.
Variant type: single nucleotide variant.
Coding change: c.63G>T on transcript NM_003108.4 (MANE Select); coding-DNA position 63, G replaced by T.
Protein change: p.Thr21=; no amino-acid change (threonine 21 retained).
Molecular consequence: synonymous variant.
Genome position (GRCh38, 1-based): chr2:5,692,784, G>T. VCF-style: chr2-5692784-G-T. GRCh37 (hg19) VCF-style: chr2-5832916-G-T.
Identifiers: ClinVar variation 715893 (VCV000715893.33), dbSNP rs139885563, ClinGen allele CA1517795.

ClinVar aggregate classification (germline): Likely benign. Review status: criteria provided, multiple submitters, no conflicts (2 of 4 stars). 3 submissions from 3 submitters: Likely benign (3). Last evaluated 2026-10-01.

Allele frequency attached by ClinVar (database versions not stated): ExAC 0.00046; TOPMed 0.00060; ESP Exome Variant Server 0.00062; gnomAD 0.00063 and 0.00065.
gnomAD v4.1: 1,605 of 1,612,168 alleles (0.1%); highest among the groups gnomAD compares: Non-Finnish European, 0.13%; 2 homozygotes.

Submissions (3):

CeGaT Center for Human Genetics Tuebingen
Classification: Likely benign. Last evaluated: 2026-10-01. Review status: criteria provided, single submitter. Criteria: CeGaT Center For Human Genetics Tuebingen Variant Classification Criteria Version 2. Collection method: clinical testing. Allele origin: germline. Affected: yes. Observed: 4 variant alleles.
Comment: SOX11: BP4, BP7

Labcorp Genetics (formerly Invitae), Labcorp
Classification: Likely benign. Last evaluated: 2026-02-03. Review status: criteria provided, single submitter. Criteria: Invitae Variant Classification Sherloc (09022015). Collection method: clinical testing. Allele origin: germline.

Blueprint Genetics
Classification: Likely benign. Last evaluated: 2024-11-24. Review status: criteria provided, single submitter. Criteria: ACMG Guidelines, 2015. Collection method: clinical testing. Allele origin: germline.